The following is an entry in ClinVar:

ClinVar aggregate classification (germline): Uncertain significance. Review status: criteria provided, multiple submitters, no conflicts (2 of 4 stars). 4 submissions from 4 submitters: Uncertain significance (3). 1 of the submissions does not count toward it. Last evaluated 2024-10-24.

Conditions:
Fanconi anemia (FA). Also called: Fanconi's anemia. Identifiers: Orphanet 84, MedGen C0015625, MeSH D005199, MONDO:0019391.
Fanconi anemia complementation group A (FANCA). Also called: Fanconi anemia, group A; FANCA-Related Fanconi Anemia. Identifiers: Orphanet 84, MedGen C3469521, MONDO:0009215, OMIM 227650.

Allele frequency attached by ClinVar (database versions not stated): gnomAD exomes below 0.00001 and 0.00001; ExAC 0.00002; TOPMed 0.00005; gnomAD 0.00007; 1000 Genomes Project 30x 0.00016; 1000 Genomes Project 0.00100.

Submissions (4):

Labcorp Genetics (formerly Invitae), Labcorp
Classification: Uncertain significance for Fanconi anemia. Last evaluated: 2024-10-24. Review status: criteria provided, single submitter. Criteria: Invitae Variant Classification Sherloc (09022015). Collection method: clinical testing. Allele origin: germline.
Comment: This sequence change replaces alanine, which is neutral and non-polar, with proline, which is neutral and non-polar, at codon 1066 of the FANCA protein (p.Ala1066Pro). This variant is present in population databases (rs556235245, gnomAD 0.01%). This variant has not been reported in the literature in individuals affected with FANCA-related conditions. ClinVar contains an entry for this variant (Variation ID: 966084). Invitae Evidence Modeling of protein sequence and biophysical properties (such as structural, functional, and spatial information, amino acid conservation, physicochemical variation, residue mobility, and thermodynamic stability) has been performed for this missense variant. However, the output from this modeling did not meet the statistical confidence thresholds required to predict the impact of this variant on FANCA protein function. In summary, the available evidence is currently insufficient to determine the role of this variant in disease. Therefore, it has been classified as a Variant of Uncertain Significance.

Fulgent Genetics
Classification: Uncertain significance for Fanconi anemia complementation group A. Last evaluated: 2024-02-09. Review status: criteria provided, single submitter. Criteria: ACMG Guidelines, 2015. Collection method: clinical testing. Allele origin: germline.

Quest Diagnostics Nichols Institute San Juan Capistrano
Classification: Uncertain significance. Last evaluated: 2024-01-29. Review status: criteria provided, single submitter. Criteria: Quest Diagnostics criteria. Collection method: clinical testing. Allele origin: unknown.
Comment: The FANCA c.3196G>C (p.Ala1066Pro) variant has not been reported in individuals with FANCA-related conditions in the published literature. The frequency of this variant in the general population, 0.000008 (2/251072 chromosomes (Genome Aggregation Database)), is uninformative in the assessment of its pathogenicity. Analysis of this variant using bioinformatics tools for the prediction of the effect of amino acid changes on protein structure and function yielded conflicting predictions that this variant is benign or damaging. Based on the available information, we are unable to determine the clinical significance of this variant.

Natera, Inc.
Classification: Uncertain significance for Fanconi anemia. Last evaluated: 2020-03-04. Review status: no assertion criteria provided. Collection method: clinical testing. Allele origin: germline. Not counted in ClinVar's aggregate classification.

NM_000135.4(FANCA):c.3196G>C (p.Ala1066Pro)

Gene: FANCA (FA complementation group A; minus strand). Cytogenetic location: 16q24.3.
Variant type: single nucleotide variant.
Coding change: c.3196G>C on transcript NM_000135.4 (MANE Select); coding-DNA position 3196, G replaced by C.
Protein change: p.Ala1066Pro; replaces alanine 1066 with proline.
Molecular consequence: missense variant.
Genome position (GRCh38, 1-based): chr16:89,749,773, C>G on the plus strand (G>C on the coding strand, the complement: FANCA is on the minus strand). VCF-style: chr16-89749773-C-G. GRCh37 (hg19) VCF-style: chr16-89816181-C-G.
Other names: c.3196G>C, p.Ala1066Pro (NM_001286167.3); c.3196G>C (NM_000135.3); short protein forms A1066P.
Identifiers: ClinVar variation 966084 (VCV000966084.11), dbSNP rs556235245, ClinGen allele CA8251301.